The following is an entry in ClinVar:

NM_024306.5(FA2H):c.771C>T (p.His257=)

Gene: FA2H (fatty acid 2-hydroxylase; minus strand). Cytogenetic location: 16q23.1.
Variant type: single nucleotide variant.
Coding change: c.771C>T on transcript NM_024306.5 (MANE Select); coding-DNA position 771, C replaced by T.
Protein change: p.His257=; no amino-acid change (histidine 257 retained).
Molecular consequence: synonymous variant.
Genome position (GRCh38, 1-based): chr16:74,719,003, G>A on the plus strand (C>T on the coding strand, the complement: FA2H is on the minus strand). VCF-style: chr16-74719003-G-A. GRCh37 (hg19) VCF-style: chr16-74752901-G-A.
Identifiers: ClinVar variation 514539 (VCV000514539.16), dbSNP rs371293493, ClinGen allele CA8170416.

ClinVar aggregate classification (germline): Benign/Likely benign. Review status: criteria provided, multiple submitters, no conflicts (2 of 4 stars). 5 submissions from 5 submitters: Benign (1); Likely benign (4). Last evaluated 2026-01-25.

Conditions:
Hereditary spastic paraplegia 35. Also called: Spastic paraplegia 35; SPASTIC PARAPLEGIA 35, AUTOSOMAL RECESSIVE, WITH OR WITHOUT NEURODEGENERATION; LEUKODYSTROPHY, DYSMYELINATING, AND SPASTIC PARAPARESIS WITH OR WITHOUT DYSTONIA; Spastic paraplegia 35, autosomal recessive. Identifiers: Orphanet 171629, MedGen C3496228, MONDO:0012866, OMIM 612319.
Spastic paraplegia. Identifiers: MedGen C0037772, HP:0001258.
Hereditary spastic paraplegia. Also called: Familial spastic paraparesis. Identifiers: Orphanet 685, MedGen C0037773, MONDO:0019064. Disease mechanism: loss of function.

Allele frequency attached by ClinVar (database versions not stated): gnomAD 0.00002 and 0.00015; TOPMed 0.00004; ESP Exome Variant Server 0.00015; gnomAD exomes 0.00023 and 0.00051; ExAC 0.00061; 1000 Genomes Project 0.00100; 1000 Genomes Project 30x 0.00125.
gnomAD v4.1: 360 of 1,613,864 alleles (0.022%); highest among the groups gnomAD compares: South Asian, 0.35%; 8 homozygotes.

Submissions (5):

Labcorp Genetics (formerly Invitae), Labcorp
Classification: Benign for Spastic paraplegia. Last evaluated: 2026-01-25. Review status: criteria provided, single submitter. Criteria: Invitae Variant Classification Sherloc (09022015). Collection method: clinical testing. Allele origin: germline.

Genome Diagnostics Laboratory, The Hospital for Sick Children
Classification: Likely benign for Hereditary spastic paraplegia. Last evaluated: 2018-05-01. Review status: criteria provided, single submitter. Criteria: ACMG Guidelines, 2015. Collection method: clinical testing. Allele origin: germline. Affected: yes.

Illumina Laboratory Services, Illumina
Classification: Likely benign for Hereditary spastic paraplegia 35. Last evaluated: 2018-01-12. Review status: criteria provided, single submitter. Criteria: ICSL Variant Classification Criteria 13 December 2019. Collection method: clinical testing. Allele origin: germline.
Comment: This variant was observed in the ICSL laboratory as part of a predisposition screen in an ostensibly healthy population. It had not been previously curated by ICSL or reported in the Human Gene Mutation Database (HGMD: prior to June 1st, 2018), and was therefore a candidate for classification through an automated scoring system. Utilizing variant allele frequency, disease prevalence and penetrance estimates, and inheritance mode, an automated score was calculated to assess if this variant is too frequent to cause the disease. Based on the score and internal cut-off values, a variant classified as likely benign is not then subjected to further curation. The score for this variant resulted in a classification of likely benign for this disease.

GeneDx
Classification: Likely benign. Last evaluated: 2018-01-09. Review status: criteria provided, single submitter. Criteria: GeneDx Variant Classification (06012015). Collection method: clinical testing. Allele origin: germline. Affected: yes.
Comment: This variant is considered likely benign or benign based on one or more of the following criteria: it is a conservative change, it occurs at a poorly conserved position in the protein, it is predicted to be benign by multiple in silico algorithms, and/or has population frequency not consistent with disease.

Breakthrough Genomics
Classification: Likely benign. Review status: criteria provided, single submitter. Criteria: ACMG Guidelines, 2015. Collection method: not provided. Allele origin: germline. Inheritance: Autosomal recessive inheritance. Affected: yes.